The following is an entry in ClinVar:

ClinVar aggregate classification (germline): Likely benign (1 of 4 stars; one submission).

gnomAD v4.1: 1,134 of 1,541,294 alleles (0.074%); highest among the groups gnomAD compares: Non-Finnish European, 0.085%; 18 homozygotes.

Submission:

CeGaT Center for Human Genetics Tuebingen
Classification: Likely benign. Last evaluated: 2026-09-01. Review status: criteria provided, single submitter. Criteria: CeGaT Center For Human Genetics Tuebingen Variant Classification Criteria Version 2. Collection method: clinical testing. Allele origin: germline. Affected: yes. Observed: 1 variant allele.
Comment: H4C11: BP4, BP7, BS2

NM_021968.4(H4C11):c.6T>A (p.Ser2=)

Gene: H4C11 (H4 clustered histone 11; plus strand). Cytogenetic location: 6p22.1.
Variant type: single nucleotide variant.
Coding change: c.6T>A on transcript NM_021968.4 (MANE Select); coding-DNA position 6, T replaced by A.
Protein change: p.Ser2=; no amino-acid change (serine 2 retained).
Molecular consequence: synonymous variant.
Genome position (GRCh38, 1-based): chr6:27,824,130, T>A. VCF-style: chr6-27824130-T-A. GRCh37 (hg19) VCF-style: chr6-27791908-T-A.
Identifiers: ClinVar variation 5040904 (VCV005040904.1).